The following is an entry in ClinVar:

ClinVar aggregate classification (germline): Uncertain significance (1 of 4 stars; one submission).

Conditions:
Cardiomyopathy (CMYO). Also called: Cardiomyopathies. Identifiers: Orphanet 167848, MedGen C0878544, MONDO:0004994, HP:0001638. Inheritance: Various modes of inheritance.

Submission:

Color Diagnostics, LLC DBA Color Health
Classification: Uncertain significance for Cardiomyopathy. Last evaluated: 2019-10-16. Review status: criteria provided, single submitter. Criteria: ACMG Guidelines, 2015. Collection method: clinical testing. Allele origin: germline.
Comment: This variant deletes 3 amino acids from the DSP protein. To our knowledge, functional studies have not been performed for this variant. Splice site prediction tools suggest that this variant may not impact RNA splicing. This variant has not been reported in individuals affected with cardiovascular disorders in the literature. This variant has not been identified in the general population by the Genome Aggregation Database (gnomAD). The available evidence is insufficient to determine the role of this variant in disease conclusively. Therefore, this variant is classified as a Variant of Uncertain Significance.

NM_004415.4(DSP):c.6154_6162del (p.Gln2052_Ala2054del)

Gene: DSP (desmoplakin; plus strand). Cytogenetic location: 6p24.3.
Variant type: Deletion.
Coding change: c.6154_6162del on transcript NM_004415.4 (MANE Select); coding-DNA positions 6154 to 6162, 9 bases deleted (CAGGCAGCT; older notation c.6154_6162delCAGGCAGCT).
Protein change: p.Gln2052_Ala2054del.
Molecular consequence: inframe deletion.
Genome position (GRCh38, 1-based): chr6:7,583,416-7,583,424, CAGGCAGCT deleted. VCF-style (leftmost placement, unchanged base first): chr6-7583415-CCAGGCAGCT-C. GRCh37 (hg19) VCF-style: chr6-7583648-CCAGGCAGCT-C.
Other names: c.4357_4365del, p.Gln1453_Ala1455del (NM_001008844.3); c.4825_4833del, p.Gln1609_Ala1611del (NM_001319034.2).
Identifiers: ClinVar variation 918585 (VCV000918585.3), dbSNP rs1759517350, ClinGen allele CA1139659420.